The following is an entry in ClinVar:

NM_017950.4(CCDC40):c.1160-3C>T

Gene: CCDC40 (coiled-coil domain 40 molecular ruler complex subunit; plus strand). Cytogenetic location: 17q25.3.
Variant type: single nucleotide variant.
Coding change: c.1160-3C>T on transcript NM_017950.4 (MANE Select); 3 bases into the intron before coding-DNA position 1160, C replaced by T.
Molecular consequence: intron variant.
Genome position (GRCh38, 1-based): chr17:80,058,491, C>T. VCF-style: chr17-80058491-C-T. GRCh37 (hg19) VCF-style: chr17-78032290-C-T.
Other names: c.1160-3C>T (NM_001243342.2, NM_001330508.2).
Identifiers: ClinVar variation 1487671 (VCV001487671.6), dbSNP rs2143648368, ClinGen allele CA2573154926.
Genomic context (GRCh38, chr17:80,058,491, plus strand): 5'-GGGGACGCTGGGACAGCCTCCCCACTCACTCTCTCTCTCTTTCTCCCCCGCCGCGCCCCG[C>T]AGTGGCGGCTCTGCAGACTGAGATGGAGAACTTGGCCCTGCATCTCTTCTACATGCAGAA-3'

ClinVar aggregate classification (germline): Uncertain significance (1 of 4 stars; one submission).

Conditions:
Primary ciliary dyskinesia. Also called: Ciliary dyskinesia. Identifiers: Orphanet 244, MedGen C0008780, MONDO:0016575, HP:0012265.

Submission:

Labcorp Genetics (formerly Invitae), Labcorp
Classification: Uncertain significance for Primary ciliary dyskinesia. Last evaluated: 2022-08-31. Review status: criteria provided, single submitter. Criteria: Invitae Variant Classification Sherloc (09022015). Collection method: clinical testing. Allele origin: germline.
Comment: In summary, the available evidence is currently insufficient to determine the role of this variant in disease. Therefore, it has been classified as a Variant of Uncertain Significance. Variants that disrupt the consensus splice site are a relatively common cause of aberrant splicing (PMID: 17576681, 9536098). Algorithms developed to predict the effect of sequence changes on RNA splicing suggest that this variant is not likely to affect RNA splicing. ClinVar contains an entry for this variant (Variation ID: 1487671). This variant has not been reported in the literature in individuals affected with CCDC40-related conditions. This variant is not present in population databases (gnomAD no frequency). This sequence change falls in intron 7 of the CCDC40 gene. It does not directly change the encoded amino acid sequence of the CCDC40 protein. It affects a nucleotide within the consensus splice site.

Literature cited by the submitters: PubMed 17576681; PubMed 9536098.